The following is an entry in ClinVar:

NM_001142864.4(PIEZO1):c.4818C>T (p.Asp1606=)

Gene: PIEZO1 (piezo type mechanosensitive ion channel component 1 (Er blood group); minus strand). Cytogenetic location: 16q24.3.
Variant type: single nucleotide variant.
Coding change: c.4818C>T on transcript NM_001142864.4 (MANE Select); coding-DNA position 4818, C replaced by T.
Protein change: p.Asp1606=; no amino-acid change (aspartic acid 1606 retained).
Molecular consequence: synonymous variant.
Genome position (GRCh38, 1-based): chr16:88,722,355, G>A on the plus strand (C>T on the coding strand, the complement: PIEZO1 is on the minus strand). VCF-style: chr16-88722355-G-A. GRCh37 (hg19) VCF-style: chr16-88788763-G-A.
Other names: c.4818C>T (NM_001142864.3).
Identifiers: ClinVar variation 3611427 (VCV003611427.4).

ClinVar aggregate classification (germline): Benign/Likely benign. Review status: criteria provided, multiple submitters, no conflicts (2 of 4 stars). 3 submissions from 3 submitters: Benign (1); Likely benign (2). Last evaluated 2025-06-14.

Conditions:
PIEZO1-related disorder. Also called: PIEZO1-related condition; PIEZO1-Related Disorders.

gnomAD v4.1: 42 of 1,532,162 alleles (0.0027%); highest among the groups gnomAD compares: African/African-American, 0.048%; no homozygotes.

Submissions (3):

PreventionGenetics, part of Exact Sciences
Classification: Likely benign for PIEZO1-related condition. Last evaluated: 2025-06-14. Review status: criteria provided, single submitter. Criteria: ACMG Guidelines, 2015. Collection method: clinical testing. Allele origin: germline.
Comment: This variant is classified as likely benign based on ACMG/AMP sequence variant interpretation guidelines (Richards et al. 2015 PMID: 25741868, with internal and published modifications).

Labcorp Genetics (formerly Invitae), Labcorp
Classification: Benign. Last evaluated: 2024-05-13. Review status: criteria provided, single submitter. Criteria: Invitae Variant Classification Sherloc (09022015). Collection method: clinical testing. Allele origin: germline.

Blueprint Genetics
Classification: Likely benign. Last evaluated: 2024-02-20. Review status: criteria provided, single submitter. Criteria: ACMG Guidelines, 2015. Collection method: clinical testing. Allele origin: germline.